The following is an entry in ClinVar:

NM_001042492.3(NF1):c.2212T>C (p.Phe738Leu)

Gene: NF1 (neurofibromin 1; plus strand). Cytogenetic location: 17q11.2.
Variant type: single nucleotide variant.
Coding change: c.2212T>C on transcript NM_001042492.3 (MANE Select); coding-DNA position 2212, T replaced by C.
Protein change: p.Phe738Leu; replaces phenylalanine 738 with leucine.
Molecular consequence: missense variant.
Genome position (GRCh38, 1-based): chr17:31,226,645, T>C. VCF-style: chr17-31226645-T-C. GRCh37 (hg19) VCF-style: chr17-29553663-T-C.
Other names: c.2212T>C, p.Phe738Leu (NM_000267.4); short protein forms F738L.
Identifiers: ClinVar variation 1376223 (VCV001376223.6), dbSNP rs2151426076, ClinGen allele CA398982504.

ClinVar aggregate classification (germline): Uncertain significance (1 of 4 stars; one submission).

Conditions:
Neurofibromatosis, type 1 (NF1). Also called: VON RECKLINGHAUSEN DISEASE; Peripheral type neurofibromatosis; Neurofibromatosis, type I; NEUROFIBROMATOSIS, TYPE I, SOMATIC. Identifiers: Orphanet 636, MedGen C0027831, MONDO:0018975, OMIM 162200. Disease mechanism: loss of function.

Submission:

Labcorp Genetics (formerly Invitae), Labcorp
Classification: Uncertain significance for Neurofibromatosis, type 1. Last evaluated: 2021-08-19. Review status: criteria provided, single submitter. Criteria: Invitae Variant Classification Sherloc (09022015). Collection method: clinical testing. Allele origin: germline.
Comment: This sequence change replaces phenylalanine with leucine at codon 738 of the NF1 protein (p.Phe738Leu). The phenylalanine residue is moderately conserved and there is a small physicochemical difference between phenylalanine and leucine. This variant is not present in population databases (ExAC no frequency). This variant has not been reported in the literature in individuals affected with NF1-related conditions. Advanced modeling of protein sequence and biophysical properties (such as structural, functional, and spatial information, amino acid conservation, physicochemical variation, residue mobility, and thermodynamic stability) performed at Invitae indicates that this missense variant is expected to disrupt NF1 protein function. In summary, the available evidence is currently insufficient to determine the role of this variant in disease. Therefore, it has been classified as a Variant of Uncertain Significance.